The following is an entry in ClinVar:

NM_000020.3(ACVRL1):c.1271C>T (p.Pro424Leu)

Gene: ACVRL1 (activin A receptor like type 1; plus strand). Cytogenetic location: 12q13.13.
Variant type: single nucleotide variant.
Coding change: c.1271C>T on transcript NM_000020.3 (MANE Select); coding-DNA position 1271, C replaced by T.
Protein change: p.Pro424Leu; replaces proline 424 with leucine.
Molecular consequence: missense variant.
Genome position (GRCh38, 1-based): chr12:51,919,009, C>T. VCF-style: chr12-51919009-C-T. GRCh37 (hg19) VCF-style: chr12-52312793-C-T.
Other names: c.1271C>T, p.Pro424Leu (NM_001077401.2, NM_001406487.1, NM_001406488.1 and 1 more transcripts); c.1115C>T, p.Pro372Leu (NM_001406490.1); c.959C>T, p.Pro320Leu (NM_001406491.1, NM_001406492.1, NM_001406493.1); c.761C>T, p.Pro254Leu (NM_001406494.1); c.707C>T, p.Pro236Leu (NM_001406495.1); short protein forms P254L, P372L, P236L, P320L, P424L.
Identifiers: ClinVar variation 1765563 (VCV001765563.2), dbSNP rs1940906429, ClinGen allele CA384903738.

ClinVar aggregate classification (germline): Pathogenic (1 of 4 stars; one submission).

Conditions:
Cardiovascular phenotype. Identifiers: MedGen CN230736.

Submission:

Ambry Genetics
Classification: Pathogenic for Cardiovascular phenotype. Last evaluated: 2015-05-14. Review status: criteria provided, single submitter. Criteria: Ambry Variant Classification Scheme 2023. Collection method: clinical testing. Allele origin: germline.
Comment: The p.P424L pathogenic mutation (also known as c.1271C>T), located in coding exon 8 of the ACVRL1 gene, results from a C to T substitution at nucleotide position 1271. The proline at codon 424 is replaced by leucine, an amino acid with similar properties. The mutation was first identified in a patient diagnosed with HHT who also carried the p.A482V variant (Letteboer et al. Hum Genet. 2005;116(1-2):8-16). In another study this mutation was reported in two family members diagnosed with HHT (Jia J et al. Zhonghua Yi Xue Za Zhi. 2012;92(16):1107-11). In vitro studies demonstrated the decreased ability of the ALK-1 protein to transition out of the endoplasmic reticulum to the plasma membrane in the presence of this mutation as compared to wild-type (Hume et al. Mol Cell Biochem. 2013;373(1-2):247-57). Furthermore, three other pathogenic mutations (p.P424R, p.P424S, p.P424T) have also been described at the same codon in affected individuals. Based on the supporting evidence, p.P424L is interpreted as a disease-causing mutation.